The following is an entry in ClinVar:

NM_006343.3(MERTK):c.1880_1881inv (p.Ser627Leu)

Gene: MERTK (MER proto-oncogene, tyrosine kinase; plus strand). Cytogenetic location: 2q13.
Variant type: Inversion.
Coding change: c.1880_1881inv on transcript NM_006343.3 (MANE Select).
Protein change: p.Ser627Leu; replaces serine 627 with leucine.
Molecular consequence: missense variant.
Genome position: GRCh38 VCF-style: chr2-112008395-CA-TG. GRCh37 (hg19) VCF-style: chr2-112765972-CA-TG.
Other names: short protein forms S627L.
Identifiers: ClinVar variation 1920111 (VCV001920111.5), ClinGen allele CA2580063748.
Genomic context (GRCh38, chr2:112,008,395, plus strand): 5'-TAATTGAGTAAATTATCCATACTTAACCTTTTCTATTTTCTCCTCTAGTGGACAACTCTT[CA>TG]CAGCGGGAGATCGAGGAGTTTCTCAGTGAGGCAGCGTGCATGAAAGACTTCAGCCACCCA-3'
Protein context (NP_006334.2, residues 617-637): AVKTMKLDNS[Ser627Leu]QREIEEFLSE

ClinVar aggregate classification (germline): Uncertain significance (1 of 4 stars; one submission).

Submission:

Labcorp Genetics (formerly Invitae), Labcorp
Classification: Uncertain significance. Last evaluated: 2022-07-05. Review status: criteria provided, single submitter. Criteria: Invitae Variant Classification Sherloc (09022015). Collection method: clinical testing. Allele origin: germline.
Comment: In summary, the available evidence is currently insufficient to determine the role of this variant in disease. Therefore, it has been classified as a Variant of Uncertain Significance. This sequence change replaces serine, which is neutral and polar, with leucine, which is neutral and non-polar, at codon 627 of the MERTK protein (p.Ser627Leu). The frequency data for this variant in the population databases is considered unreliable, as metrics indicate poor data quality at this position in the gnomAD database. This variant has not been reported in the literature in individuals affected with MERTK-related conditions. Algorithms developed to predict the effect of missense changes on protein structure and function are either unavailable or do not agree on the potential impact of this missense change (SIFT: "Not Available"; PolyPhen-2: "Probably Damaging"; Align-GVGD: "Not Available").